The following is an entry in ClinVar:

ClinVar aggregate classification (germline): Uncertain significance (1 of 4 stars; one submission).

Submission:

Labcorp Genetics (formerly Invitae), Labcorp
Classification: Uncertain significance. Last evaluated: 2022-07-16. Review status: criteria provided, single submitter. Criteria: Invitae Variant Classification Sherloc (09022015). Collection method: clinical testing. Allele origin: germline.
Comment: This sequence change creates a premature translational stop signal (p.Arg236Glyfs*10) in the EXOSC2 gene. It is expected to result in an absent or disrupted protein product. However, the current clinical and genetic evidence is not sufficient to establish whether loss-of-function variants in EXOSC2 cause disease. This variant is present in population databases (no rsID available, gnomAD 0.007%). This variant has not been reported in the literature in individuals affected with EXOSC2-related conditions. ClinVar contains an entry for this variant (Variation ID: 1404679). Experimental studies and prediction algorithms are not available or were not evaluated, and the functional significance of this variant is currently unknown. In summary, the available evidence is currently insufficient to determine the role of this variant in disease. Therefore, it has been classified as a Variant of Uncertain Significance.

NM_014285.7(EXOSC2):c.706del (p.Arg236fs)

Gene: EXOSC2 (exosome component 2; plus strand). Cytogenetic location: 9q34.12.
Variant type: Deletion.
Coding change: c.706del on transcript NM_014285.7 (MANE Select); coding-DNA position 706, one base deleted (C; older notation c.706delC).
Protein change: p.Arg236fs; shifts the reading frame from arginine 236.
Molecular consequence: frameshift variant. On other transcripts: non-coding transcript variant (1).
Genome position (GRCh38, 1-based): chr9:130,703,086, C deleted; the last of 3 consecutive C bases (chr9:130,703,084-130,703,086); deleting any one gives the same sequence. VCF-style (leftmost placement, unchanged base first): chr9-130703083-TC-T. GRCh37 (hg19) VCF-style: chr9-133578470-TC-T.
Other names: c.628del, p.Arg210fs (NM_001282708.1); c.616del, p.Arg206fs (NM_001282709.1); short protein forms R206fs, R210fs, R236fs.
Identifiers: ClinVar variation 1404679 (VCV001404679.6), dbSNP rs1316161545, ClinGen allele CA590717551.